The following is an entry in ClinVar:

ClinVar aggregate classification (germline): Uncertain significance (1 of 4 stars; one submission).

Conditions:
Cardiovascular phenotype. Identifiers: MedGen CN230736.

Submission:

Ambry Genetics
Classification: Uncertain significance for Cardiovascular phenotype. Last evaluated: 2023-02-16. Review status: criteria provided, single submitter. Criteria: Ambry Variant Classification Scheme 2023. Collection method: clinical testing. Allele origin: germline.
Comment: The p.P1502L variant (also known as c.4505C>T), located in coding exon 2 of the ZNF469 gene, results from a C to T substitution at nucleotide position 4505. The proline at codon 1502 is replaced by leucine, an amino acid with similar properties. This amino acid position is conserved. In addition, this alteration is predicted to be tolerated by in silico analysis. Since supporting evidence is limited at this time, the clinical significance of this alteration remains unclear.

NM_001367624.2(ZNF469):c.4589C>T (p.Pro1530Leu)

Gene: ZNF469 (zinc finger protein 469; plus strand). Cytogenetic location: 16q24.2.
Variant type: single nucleotide variant.
Coding change: c.4589C>T on transcript NM_001367624.2 (MANE Select); coding-DNA position 4589, C replaced by T.
Protein change: p.Pro1530Leu; replaces proline 1530 with leucine.
Molecular consequence: missense variant.
Genome position (GRCh38, 1-based): chr16:88,432,059, C>T. VCF-style: chr16-88432059-C-T. GRCh37 (hg19) VCF-style: chr16-88498467-C-T.
Other names: NM_001127464.1:c.4505C>T; short protein forms P1530L.
Identifiers: ClinVar variation 2449507 (VCV002449507.2), dbSNP rs955640940, ClinGen allele CA286376310.